The following is an entry in ClinVar:

NM_003611.3(OFD1):c.1155G>T (p.Glu385Asp)

Gene: OFD1 (OFD1 centriole and centriolar satellite protein; plus strand). Cytogenetic location: Xp22.2.
Variant type: single nucleotide variant.
Coding change: c.1155G>T on transcript NM_003611.3 (MANE Select); coding-DNA position 1155, G replaced by T.
Protein change: p.Glu385Asp; replaces glutamic acid 385 with aspartic acid.
Molecular consequence: missense variant.
Genome position (GRCh38, 1-based): chrX:13,755,176, G>T. VCF-style: chrX-13755176-G-T. GRCh37 (hg19) VCF-style: chrX-13773295-G-T.
Other names: c.1035G>T, p.Glu345Asp (NM_001330209.2); c.735G>T, p.Glu245Asp (NM_001330210.2); short protein forms E385D, E245D, E345D.
Identifiers: ClinVar variation 1393339 (VCV001393339.6), dbSNP rs2147016302, ClinGen allele CA412342320.

ClinVar aggregate classification (germline): Uncertain significance (1 of 4 stars; one submission).

Conditions:
Joubert syndrome. Also called: CEREBELLOPARENCHYMAL DISORDER IV; JOUBERT-BOLTSHAUSER SYNDROME; Familial aplasia of the vermis. Identifiers: Orphanet 475, MedGen C5979921, MONDO:0018772.
Orofaciodigital syndrome I (OFD1). Also called: OFDS I; Papillon-Leage and Psaume Syndrome; Oral-Facial-Digital Syndrome Type I. Identifiers: Orphanet 2750, MedGen C1510460, MONDO:0010702, OMIM 311200.

Submission:

Labcorp Genetics (formerly Invitae), Labcorp
Classification: Uncertain significance for Orofaciodigital syndrome I; Joubert syndrome. Last evaluated: 2025-03-03. Review status: criteria provided, single submitter. Criteria: Invitae Variant Classification Sherloc (09022015). Collection method: clinical testing. Allele origin: germline.
Comment: This sequence change replaces glutamic acid, which is acidic and polar, with aspartic acid, which is acidic and polar, at codon 385 of the OFD1 protein (p.Glu385Asp). This variant is not present in population databases (gnomAD no frequency). This variant has not been reported in the literature in individuals affected with OFD1-related conditions. ClinVar contains an entry for this variant (Variation ID: 1393339). Invitae Evidence Modeling of protein sequence and biophysical properties (such as structural, functional, and spatial information, amino acid conservation, physicochemical variation, residue mobility, and thermodynamic stability) indicates that this missense variant is not expected to disrupt OFD1 protein function with a negative predictive value of 80%. In summary, the available evidence is currently insufficient to determine the role of this variant in disease. Therefore, it has been classified as a Variant of Uncertain Significance.